The following is an entry in ClinVar:

NM_031935.3(HMCN1):c.4832C>G (p.Ser1611Cys)

Gene: HMCN1 (hemicentin 1; plus strand). Cytogenetic location: 1q31.1.
Variant type: single nucleotide variant.
Coding change: c.4832C>G on transcript NM_031935.3 (MANE Select); coding-DNA position 4832, C replaced by G.
Protein change: p.Ser1611Cys; replaces serine 1611 with cysteine.
Molecular consequence: missense variant.
Genome position (GRCh38, 1-based): chr1:186,015,360, C>G. VCF-style: chr1-186015360-C-G. GRCh37 (hg19) VCF-style: chr1-185984492-C-G.
Other names: short protein forms S1611C.
Identifiers: ClinVar variation 1722229 (VCV001722229.5), dbSNP rs1178584330, ClinGen allele CA343885605.

ClinVar aggregate classification (germline): Uncertain significance (1 of 4 stars; one submission).

Allele frequency attached by ClinVar (database versions not stated): gnomAD exomes below 0.00001.
gnomAD v4.1: 2 of 1,613,756 alleles (0.00012%); highest among the groups gnomAD compares: Admixed American, 0.0033%; no homozygotes.

Submission:

Labcorp Genetics (formerly Invitae), Labcorp
Classification: Uncertain significance. Last evaluated: 2022-10-26. Review status: criteria provided, single submitter. Criteria: Invitae Variant Classification Sherloc (09022015). Collection method: clinical testing. Allele origin: germline.
Comment: In summary, the available evidence is currently insufficient to determine the role of this variant in disease. Therefore, it has been classified as a Variant of Uncertain Significance. Algorithms developed to predict the effect of sequence changes on RNA splicing suggest that this variant may create or strengthen a splice site. Algorithms developed to predict the effect of missense changes on protein structure and function are either unavailable or do not agree on the potential impact of this missense change (SIFT: "Deleterious"; PolyPhen-2: "Probably Damaging"; Align-GVGD: "Class C0"). This variant has not been reported in the literature in individuals affected with HMCN1-related conditions. This variant is present in population databases (no rsID available, gnomAD 0.006%). This sequence change replaces serine, which is neutral and polar, with cysteine, which is neutral and slightly polar, at codon 1611 of the HMCN1 protein (p.Ser1611Cys).